The following is an entry in ClinVar:

NM_025136.4(OPA3):c.517G>A (p.Ala173Thr)

Genes: OPA3 (outer mitochondrial membrane lipid metabolism regulator OPA3; minus strand), OPA3-RTN2 (OPA3-RTN2 readthrough; minus strand). Cytogenetic location: 19q13.32.
Variant type: single nucleotide variant.
Coding change: c.517G>A on transcript NM_025136.4 (MANE Select); coding-DNA position 517, G replaced by A.
Protein change: p.Ala173Thr; replaces alanine 173 with threonine.
Molecular consequence: missense variant. On other transcripts: intron variant (1).
Genome position (GRCh38, 1-based): chr19:45,553,537, C>T on the plus strand (G>A on the coding strand, the complement: OPA3 is on the minus strand). VCF-style: chr19-45553537-C-T. GRCh37 (hg19) VCF-style: chr19-46056795-C-T.
Other names: c.143-24081G>A (NM_001017989.3); short protein forms A173T.
Identifiers: ClinVar variation 1986480 (VCV001986480.2), dbSNP rs371832021, ClinGen allele CA9517376.

ClinVar aggregate classification (germline): Uncertain significance (1 of 4 stars; one submission).

Conditions:
Optic atrophy 3 (OPA3). Also called: Optic atrophy, cataract, and neurologic disorder; OPTIC ATROPHY 3, AUTOSOMAL DOMINANT; Optic atrophy 3 with cataract. Identifiers: Orphanet 67036, MedGen C1833809, MONDO:0008133, OMIM 165300.
3-Methylglutaconic aciduria type 3 (MGCA3). Also called: OPA3, AUTOSOMAL RECESSIVE; OPTIC ATROPHY 3, AUTOSOMAL RECESSIVE; OPA3-Related 3-Methylglutaconic Aciduria; Costeff Syndrome. Identifiers: Orphanet 67047, MedGen C0574084, MONDO:0009787, OMIM 258501.

Allele frequency attached by ClinVar (database versions not stated): gnomAD exomes below 0.00001; ExAC 0.00002; gnomAD 0.00003; TOPMed 0.00005; ESP Exome Variant Server 0.00008.
gnomAD v4.1: 6 of 1,613,196 alleles (0.00037%); highest among the groups gnomAD compares: African/African-American, 0.0067%; no homozygotes.

Submission:

Labcorp Genetics (formerly Invitae), Labcorp
Classification: Uncertain significance for 3-Methylglutaconic aciduria type 3; Optic atrophy 3. Last evaluated: 2026-01-07. Review status: criteria provided, single submitter. Criteria: Invitae Variant Classification Sherloc (09022015). Collection method: clinical testing. Allele origin: germline.
Comment: This sequence change replaces alanine, which is neutral and non-polar, with threonine, which is neutral and polar, at codon 173 of the OPA3 protein (p.Ala173Thr). This variant is present in population databases (rs371832021, gnomAD 0.01%). This variant has not been reported in the literature in individuals affected with OPA3-related conditions. ClinVar contains an entry for this variant (Variation ID: 1986480). An algorithm developed to predict the effect of missense changes on protein structure and function (PolyPhen-2) suggests that this variant is likely to be tolerated. In summary, the available evidence is currently insufficient to determine the role of this variant in disease. Therefore, it has been classified as a Variant of Uncertain Significance.